The following is an entry in ClinVar:

ClinVar aggregate classification (germline): Uncertain significance (1 of 4 stars; one submission).

Submission:

Labcorp Genetics (formerly Invitae), Labcorp
Classification: Uncertain significance. Last evaluated: 2023-05-23. Review status: criteria provided, single submitter. Criteria: Invitae Variant Classification Sherloc (09022015). Collection method: clinical testing. Allele origin: germline.
Comment: This sequence change creates a premature translational stop signal (p.Ser92Argfs*22) in the TGFB1 gene. It is expected to result in an absent or disrupted protein product. However, the current clinical and genetic evidence is not sufficient to establish whether loss-of-function variants in TGFB1 cause disease. This variant is not present in population databases (gnomAD no frequency). This variant has not been reported in the literature in individuals affected with TGFB1-related conditions. In summary, the available evidence is currently insufficient to determine the role of this variant in disease. Therefore, it has been classified as a Variant of Uncertain Significance.

NM_000660.7(TGFB1):c.274_275dup (p.Ser92fs)

Genes: TGFB1 (transforming growth factor beta 1; minus strand), LOC130064510 (ATAC-STARR-seq lymphoblastoid silent region 10661; plus strand). Cytogenetic location: 19q13.2.
Variant type: Microsatellite.
Coding change: c.274_275dup on transcript NM_000660.7 (MANE Select); coding-DNA positions 274 to 275, 2 bases duplicated (AG; older notation c.274_275dupAG).
Protein change: p.Ser92fs; shifts the reading frame from serine 92.
Molecular consequence: frameshift variant.
Genome position (GRCh38, 1-based): chr19:41,352,770-41,352,771, CT duplicated on the plus strand (AG on the coding strand, the reverse complement: TGFB1 is on the minus strand); duplicating any 2 consecutive bases within chr19:41,352,770-41,352,774 gives the same sequence; the c. name uses the placement nearest the transcript's 3' end. VCF-style (leftmost placement, unchanged base first): chr19-41352769-A-ACT. GRCh37 (hg19) VCF-style: chr19-41858674-A-ACT.
Other names: short protein forms S92fs.
Identifiers: ClinVar variation 1369702 (VCV001369702.6), dbSNP rs2038224315, ClinGen allele CA2336426093.